The following is an entry in ClinVar:

ClinVar aggregate classification (germline): Uncertain significance. Review status: criteria provided, multiple submitters, no conflicts (2 of 4 stars). 2 submissions from 2 submitters: Uncertain significance (2). Last evaluated 2022-07-12.

Conditions:
Inborn genetic diseases. Identifiers: MedGen C0950123, MeSH D030342.

Allele frequency attached by ClinVar (database versions not stated): gnomAD exomes below 0.00001; gnomAD 0.00001; TOPMed 0.00001.
gnomAD v4.1: 7 of 1,605,232 alleles (0.00044%); highest among the groups gnomAD compares: African/African-American, 0.0013%; no homozygotes.

Submissions (2):

Labcorp Genetics (formerly Invitae), Labcorp
Classification: Uncertain significance. Last evaluated: 2022-07-12. Review status: criteria provided, single submitter. Criteria: Invitae Variant Classification Sherloc (09022015). Collection method: clinical testing. Allele origin: germline.
Comment: This sequence change replaces proline, which is neutral and non-polar, with serine, which is neutral and polar, at codon 1324 of the HSPG2 protein (p.Pro1324Ser). This variant is not present in population databases (gnomAD no frequency). This variant has not been reported in the literature in individuals affected with HSPG2-related conditions. Algorithms developed to predict the effect of missense changes on protein structure and function (SIFT, PolyPhen-2, Align-GVGD) all suggest that this variant is likely to be tolerated. In summary, the available evidence is currently insufficient to determine the role of this variant in disease. Therefore, it has been classified as a Variant of Uncertain Significance.

Ambry Genetics
Classification: Uncertain significance for Inborn genetic diseases. Last evaluated: 2021-12-07. Review status: criteria provided, single submitter. Criteria: Ambry Variant Classification Scheme 2023. Collection method: clinical testing. Allele origin: germline.

NM_005529.7(HSPG2):c.3970C>T (p.Pro1324Ser)

Gene: HSPG2 (heparan sulfate proteoglycan 2; minus strand). Cytogenetic location: 1p36.12.
Variant type: single nucleotide variant.
Coding change: c.3970C>T on transcript NM_005529.7 (MANE Select); coding-DNA position 3970, C replaced by T.
Protein change: p.Pro1324Ser; replaces proline 1324 with serine.
Molecular consequence: missense variant.
Genome position (GRCh38, 1-based): chr1:21,872,679, G>A on the plus strand (C>T on the coding strand, the complement: HSPG2 is on the minus strand). VCF-style: chr1-21872679-G-A. GRCh37 (hg19) VCF-style: chr1-22199172-G-A.
Other names: c.3973C>T, p.Pro1325Ser (NM_001291860.2); short protein forms P1325S, P1324S.
Identifiers: ClinVar variation 2045450 (VCV002045450.5), dbSNP rs1277001713, ClinGen allele CA338959525.
Genomic context (GRCh38, chr1:21,872,679, plus strand): 5'-CCAGGTGGCGTGTGTAGGCAGAGCTGGCGCACTGCTGGGTGATGCCCATACAGAAGCAGG[G>A]CAGGCAGCCGTCTGGGTTGCTGGCACTCAGGTGGAAGTGGTGGGGCCGGCAGTGGCTGCA-3'
Protein context (NP_005520.4, residues 1314-1334): LSASNPDGCL[Pro1324Ser]CFCMGITQQC